The following is an entry in ClinVar:

NM_000257.4(MYH7):c.4606G>A (p.Glu1536Lys)

Genes: MHRT (myosin heavy chain associated RNA transcript; plus strand), MYH7 (myosin heavy chain 7; minus strand). Cytogenetic location: 14q11.2.
Variant type: single nucleotide variant.
Coding change: c.4606G>A on transcript NM_000257.4 (MANE Select); coding-DNA position 4606, G replaced by A.
Protein change: p.Glu1536Lys; replaces glutamic acid 1536 with lysine.
Molecular consequence: missense variant.
Genome position (GRCh38, 1-based): chr14:23,416,906, C>T on the plus strand (G>A on the coding strand, the complement: MYH7 is on the minus strand). VCF-style: chr14-23416906-C-T. GRCh37 (hg19) VCF-style: chr14-23886115-C-T.
Other names: short protein forms E1536K.
Identifiers: ClinVar variation 1172430 (VCV001172430.10), dbSNP rs779315151, ClinGen allele CA043069.

ClinVar aggregate classification (germline): Uncertain significance. Review status: criteria provided, multiple submitters, no conflicts (2 of 4 stars). 5 submissions from 5 submitters: Uncertain significance (5). Last evaluated 2025-07-14.

Conditions:
Cardiovascular phenotype. Identifiers: MedGen CN230736.
Cardiomyopathy (CMYO). Also called: Cardiomyopathies. Identifiers: Orphanet 167848, MedGen C0878544, MONDO:0004994, HP:0001638. Inheritance: Various modes of inheritance.
Hypertrophic cardiomyopathy. Also called: HYPERTROPHIC MYOCARDIOPATHY. Identifiers: Orphanet 217569, MedGen C0007194, MeSH D002312, MONDO:0005045, HP:0001639.

Allele frequency attached by ClinVar (database versions not stated): ExAC 0.00001; gnomAD 0.00001; gnomAD exomes 0.00001; TOPMed 0.00001.
gnomAD v4.1: 18 of 1,614,126 alleles (0.0011%); highest among the groups gnomAD compares: South Asian, 0.0077%; no homozygotes.

Submissions (5):

Labcorp Genetics (formerly Invitae), Labcorp
Classification: Uncertain significance for Hypertrophic cardiomyopathy. Last evaluated: 2025-07-14. Review status: criteria provided, single submitter. Criteria: Invitae Variant Classification Sherloc (09022015). Collection method: clinical testing. Allele origin: germline.
Comment: This sequence change replaces glutamic acid, which is acidic and polar, with lysine, which is basic and polar, at codon 1536 of the MYH7 protein (p.Glu1536Lys). This variant is present in population databases (rs779315151, gnomAD 0.01%). This missense change has been observed in individual(s) with dilated cardiomyopathy (PMID: 21750094). ClinVar contains an entry for this variant (Variation ID: 1172430). Invitae Evidence Modeling of protein sequence and biophysical properties (such as structural, functional, and spatial information, amino acid conservation, physicochemical variation, residue mobility, and thermodynamic stability) indicates that this missense variant is expected to disrupt MYH7 protein function with a positive predictive value of 95%. In summary, the available evidence is currently insufficient to determine the role of this variant in disease. Therefore, it has been classified as a Variant of Uncertain Significance.

All of Us Research Program, National Institutes of Health
Classification: Uncertain significance for Cardiomyopathy. Last evaluated: 2024-05-14. Review status: criteria provided, single submitter. Criteria: ACMG Guidelines, 2015. Collection method: clinical testing. Allele origin: germline. Inheritance: Autosomal dominant inheritance. Observed: 1 variant allele, 1 heterozygote.
Comment: This missense variant replaces glutamic acid with lysine at codon 1536 of the MYH7 protein. Computational prediction tools indicate that this variant has a deleterious impact on protein structure and function. To our knowledge, functional studies have not been reported for this variant. This variant has been reported in one individual affected with dilated cardiomyopathy (PMID: 21750094). This variant has been identified in 3/251284 chromosomes in the general population by the Genome Aggregation Database (gnomAD). The available evidence is insufficient to determine the role of this variant in disease conclusively. Therefore, this variant is classified as a Variant of Uncertain Significance.

This study involves interpretation of variants in research participants for the purpose of population health screening. Participant phenotype was not available at the time of variant classification. Additional details can be found in publication PMID: 35346344, PMCID: PMC8962531

Color Diagnostics, LLC DBA Color Health
Classification: Uncertain significance for Cardiomyopathy. Last evaluated: 2024-04-25. Review status: criteria provided, single submitter. Criteria: ACMG Guidelines, 2015. Collection method: clinical testing. Allele origin: germline.
Comment: This missense variant replaces glutamic acid with lysine at codon 1536 of the MYH7 protein. Computational prediction tools indicate that this variant has a deleterious impact on protein structure and function. To our knowledge, functional studies have not been reported for this variant. This variant has been reported in one individual affected with dilated cardiomyopathy (PMID: 21750094). This variant has been identified in 3/251284 chromosomes in the general population by the Genome Aggregation Database (gnomAD). The available evidence is insufficient to determine the role of this variant in disease conclusively. Therefore, this variant is classified as a Variant of Uncertain Significance.

Ambry Genetics
Classification: Uncertain significance for Cardiovascular phenotype. Last evaluated: 2022-05-31. Review status: criteria provided, single submitter. Criteria: Ambry Variant Classification Scheme 2023. Collection method: clinical testing. Allele origin: germline.
Comment: The p.E1536K variant (also known as c.4606G>A), located in coding exon 31 of the MYH7 gene, results from a G to A substitution at nucleotide position 4606. The glutamic acid at codon 1536 is replaced by lysine, an amino acid with similar properties. This variant has been detected in an individual from a dilated cardiomyopathy cohort; however, details were limited (Waldm&uuml;ller S et al. Eur J Heart Fail, 2011 Nov;13:1185-92). This amino acid position is highly conserved in available vertebrate species. In addition, this alteration is predicted to be deleterious by in silico analysis. Since supporting evidence is limited at this time, the clinical significance of this alteration remains unclear.

Blueprint Genetics
Classification: Uncertain significance. Last evaluated: 2018-12-19. Review status: criteria provided, single submitter. Criteria: ACMG Guidelines, 2015. Collection method: clinical testing. Allele origin: germline.

Literature cited by the submitters: PubMed 21750094 (cited by 4 submitters).